The following is an entry in ClinVar:

ClinVar aggregate classification (germline): Uncertain significance. Review status: criteria provided, multiple submitters, no conflicts (2 of 4 stars). 2 submissions from 2 submitters: Uncertain significance (2). Last evaluated 2024-08-27.

Conditions:
Inborn genetic diseases. Identifiers: MedGen C0950123, MeSH D030342.
COG1 congenital disorder of glycosylation (CDG2G). Also called: CONGENITAL DISORDER OF GLYCOSYLATION, TYPE IIg; CDG IIg; CDGII/COG1 CEREBROCOSTOMANDIBULAR-LIKE SYNDROME. Identifiers: Orphanet 263508, MedGen C2931011, MONDO:0012637, OMIM 611209.

Allele frequency attached by ClinVar (database versions not stated): gnomAD exomes below 0.00001; ExAC 0.00002; TOPMed 0.00006.
gnomAD v4.1: 18 of 1,614,222 alleles (0.0011%); highest among the groups gnomAD compares: African/African-American, 0.021%; no homozygotes.

Submissions (2):

Ambry Genetics
Classification: Uncertain significance for Inborn genetic diseases. Last evaluated: 2024-08-27. Review status: criteria provided, single submitter. Criteria: Ambry Variant Classification Scheme 2023. Collection method: clinical testing. Allele origin: germline.

Labcorp Genetics (formerly Invitae), Labcorp
Classification: Uncertain significance for COG1 congenital disorder of glycosylation. Last evaluated: 2023-04-22. Review status: criteria provided, single submitter. Criteria: Invitae Variant Classification Sherloc (09022015). Collection method: clinical testing. Allele origin: germline.
Comment: In summary, the available evidence is currently insufficient to determine the role of this variant in disease. Therefore, it has been classified as a Variant of Uncertain Significance. Advanced modeling of protein sequence and biophysical properties (such as structural, functional, and spatial information, amino acid conservation, physicochemical variation, residue mobility, and thermodynamic stability) performed at Invitae indicates that this missense variant is expected to disrupt COG1 protein function. This variant has not been reported in the literature in individuals affected with COG1-related conditions. This variant is present in population databases (rs201654896, gnomAD 0.05%). This sequence change replaces serine, which is neutral and polar, with tyrosine, which is neutral and polar, at codon 742 of the COG1 protein (p.Ser742Tyr).

NM_018714.3(COG1):c.2225C>A (p.Ser742Tyr)

Genes: COG1 (component of oligomeric golgi complex 1; plus strand), LOC125316790 (Sharpr-MPRA regulatory region 2581; plus strand). Cytogenetic location: 17q25.1.
Variant type: single nucleotide variant.
Coding change: c.2225C>A on transcript NM_018714.3 (MANE Select); coding-DNA position 2225, C replaced by A.
Protein change: p.Ser742Tyr; replaces serine 742 with tyrosine.
Molecular consequence: missense variant.
Genome position (GRCh38, 1-based): chr17:73,203,636, C>A. VCF-style: chr17-73203636-C-A. GRCh37 (hg19) VCF-style: chr17-71199775-C-A.
Other names: c.2225C>A (NM_018714.2); short protein forms S742Y.
Identifiers: ClinVar variation 2728574 (VCV002728574.4), dbSNP rs201654896, ClinGen allele CA8740407.